The following is an entry in ClinVar:

NM_001845.6(COL4A1):c.652-14T>G

Gene: COL4A1 (collagen type IV alpha 1 chain; minus strand). Cytogenetic location: 13q34.
Variant type: single nucleotide variant.
Coding change: c.652-14T>G on transcript NM_001845.6 (MANE Select); 14 bases into the intron before coding-DNA position 652, T replaced by G.
Molecular consequence: intron variant.
Genome position (GRCh38, 1-based): chr13:110,208,904, A>C on the plus strand (T>G on the coding strand, the complement: COL4A1 is on the minus strand). VCF-style: chr13-110208904-A-C. GRCh37 (hg19) VCF-style: chr13-110861251-A-C.
Other names: c.652-14T>G (NM_001303110.2).
Identifiers: ClinVar variation 4279539 (VCV004279539.1).

ClinVar aggregate classification (germline): Uncertain significance (1 of 4 stars; one submission).

Conditions:
Brain small vessel disease 1 with or without ocular anomalies (BSVD1). Also called: PORENCEPHALY, TYPE 1, AUTOSOMAL DOMINANT; GOULD SYNDROME 1; Brain small vessel disease with or without ocular anomalies; BRAIN SMALL VESSEL DISEASE WITH HEMORRHAGE. Identifiers: Orphanet 2940, Orphanet 36383, Orphanet 99810, MedGen C4755307, MONDO:0008289, OMIM 175780.

Submission:

Department of Paediatrics at Addenbrookes, Cambridge University Hospitals NHS Foundation Trust (UK)
Classification: Uncertain significance for Brain small vessel disease 1 with or without ocular anomalies. Last evaluated: 2025-05-27. Review status: criteria provided, single submitter. Criteria: Durkie Uk Practice Guidelines For Variant Classification V12 2024 (1). Collection method: clinical testing. Allele origin: unknown.
Comment: PM2_Moderate; PP3_Supporting; PP4_Supporting